The following is an entry in ClinVar:

NM_001904.4(CTNNB1):c.1850del (p.Val617fs)

Gene: CTNNB1 (catenin beta 1; plus strand). Cytogenetic location: 3p22.1.
Variant type: Deletion.
Coding change: c.1850del on transcript NM_001904.4 (MANE Select); coding-DNA position 1850, one base deleted (T; older notation c.1850delT).
Protein change: p.Val617fs; shifts the reading frame from valine 617.
Molecular consequence: frameshift variant.
Genome position (GRCh38, 1-based): chr3:41,236,395, T deleted. VCF-style (leftmost placement, unchanged base first): chr3-41236394-GT-G. GRCh37 (hg19) VCF-style: chr3-41277885-GT-G.
Other names: c.1850del, p.Val617fs (NM_001098209.2, NM_001098210.2); c.1829del, p.Val610fs (NM_001330729.2); short protein forms V610fs, V617fs.
Identifiers: ClinVar variation 3765566 (VCV003765566.1).

ClinVar aggregate classification (germline): Pathogenic (1 of 4 stars; one submission).

Conditions:
Severe intellectual disability-progressive spastic diplegia syndrome (NEDSDV). Also called: NEURODEVELOPMENTAL DISORDER WITH SPASTIC DIPLEGIA AND VISUAL DEFECTS; CTNNB1 Neurodevelopmental Disorder. Identifiers: Orphanet 404473, MedGen C3554449, MONDO:0014035, OMIM 615075.

Submission:

Greenwood Genetic Center Diagnostic Laboratories, Greenwood Genetic Center
Classification: Pathogenic for Severe intellectual disability-progressive spastic diplegia syndrome. Last evaluated: 2024-08-07. Review status: criteria provided, single submitter. Criteria: ACMG Guidelines, 2015. Collection method: clinical testing. Allele origin: germline. Affected: yes.
Comment: PVS1, PS2, PM2